The following is an entry in ClinVar:

NM_031935.3(HMCN1):c.6208T>A (p.Leu2070Met)

Gene: HMCN1 (hemicentin 1; plus strand). Cytogenetic location: 1q31.1.
Variant type: single nucleotide variant.
Coding change: c.6208T>A on transcript NM_031935.3 (MANE Select); coding-DNA position 6208, T replaced by A.
Protein change: p.Leu2070Met; replaces leucine 2070 with methionine.
Molecular consequence: missense variant.
Genome position (GRCh38, 1-based): chr1:186,041,040, T>A. VCF-style: chr1-186041040-T-A. GRCh37 (hg19) VCF-style: chr1-186010172-T-A.
Other names: short protein forms L2070M.
Identifiers: ClinVar variation 2073052 (VCV002073052.4), dbSNP rs756385879, ClinGen allele CA1292494.
Genomic context (GRCh38, chr1:186,041,040, plus strand): 5'-ATATTGGTTATTTAGCGTTCTTACCATTGATAGGTTCTCTCTGGTGGTCGAATCCTAGCA[T>A]TGACCAGTGCACAAATCAGCGACACAGGAAGGTACACCTGCGTGGCAGTGAATGCTGCTG-3'
Protein context (NP_114141.2, residues 2060-2080): QVLSGGRILA[Leu2070Met]TSAQISDTGR

ClinVar aggregate classification (germline): Uncertain significance (1 of 4 stars; one submission).

Allele frequency attached by ClinVar (database versions not stated): TOPMed 0.00008; gnomAD 0.00010.
gnomAD v4.1: 29 of 1,612,980 alleles (0.0018%); highest among the groups gnomAD compares: African/African-American, 0.039%; no homozygotes.

Submission:

Labcorp Genetics (formerly Invitae), Labcorp
Classification: Uncertain significance. Last evaluated: 2024-05-01. Review status: criteria provided, single submitter. Criteria: Invitae Variant Classification Sherloc (09022015). Collection method: clinical testing. Allele origin: germline.
Comment: This sequence change replaces leucine, which is neutral and non-polar, with methionine, which is neutral and non-polar, at codon 2070 of the HMCN1 protein (p.Leu2070Met). This variant is present in population databases (rs756385879, gnomAD 0.05%). This variant has not been reported in the literature in individuals affected with HMCN1-related conditions. ClinVar contains an entry for this variant (Variation ID: 2073052). An algorithm developed to predict the effect of missense changes on protein structure and function (PolyPhen-2) suggests that this variant is likely to be disruptive. In summary, the available evidence is currently insufficient to determine the role of this variant in disease. Therefore, it has been classified as a Variant of Uncertain Significance.